The following is an entry in ClinVar:

ClinVar aggregate classification (germline): Likely benign (1 of 4 stars; one submission).

gnomAD v4.1: 15 of 1,613,442 alleles (0.00093%); highest among the groups gnomAD compares: South Asian, 0.011%; no homozygotes.

Submission:

CeGaT Center for Human Genetics Tuebingen
Classification: Likely benign. Last evaluated: 2025-11-01. Review status: criteria provided, single submitter. Criteria: CeGaT Center For Human Genetics Tuebingen Variant Classification Criteria Version 2. Collection method: clinical testing. Allele origin: germline. Affected: yes. Observed: 1 variant allele.
Comment: ANKRD17: BP4, BP7

NM_032217.5(ANKRD17):c.492C>T (p.Leu164=)

Gene: ANKRD17 (ankyrin repeat domain 17; minus strand). Cytogenetic location: 4q13.3.
Variant type: single nucleotide variant.
Coding change: c.492C>T on transcript NM_032217.5 (MANE Select); coding-DNA position 492, C replaced by T.
Protein change: p.Leu164=; no amino-acid change (leucine 164 retained).
Molecular consequence: synonymous variant.
Genome position (GRCh38, 1-based): chr4:73,177,435, G>A on the plus strand (C>T on the coding strand, the complement: ANKRD17 is on the minus strand). VCF-style: chr4-73177435-G-A. GRCh37 (hg19) VCF-style: chr4-74043152-G-A.
Other names: c.153C>T, p.Leu51= (NM_001286771.3); c.492C>T, p.Leu164= (NM_015574.2, NM_198889.3).
Identifiers: ClinVar variation 4534470 (VCV004534470.6).